The following is an entry in ClinVar:

ClinVar aggregate classification (germline): Uncertain significance (1 of 4 stars; one submission).

gnomAD v4.1: 1 of 152,206 alleles (0.00066%); highest among the groups gnomAD compares: Admixed American, 0.0065%; no homozygotes.

Submission:

Greenwood Genetic Center Diagnostic Laboratories, Greenwood Genetic Center
Classification: Uncertain significance. Last evaluated: 2025-12-31. Review status: criteria provided, single submitter. Criteria: ACMG Guidelines, 2015. Collection method: clinical testing. Allele origin: germline. Affected: yes.
Comment: PM2, BP4

NM_001384732.1(CPLANE1):c.8792+1673G>A

Gene: CPLANE1 (ciliogenesis and planar polarity effector complex subunit 1; minus strand). Cytogenetic location: 5p13.2.
Variant type: single nucleotide variant.
Coding change: c.8792+1673G>A on transcript NM_001384732.1 (MANE Select); 1673 bases into the intron after coding-DNA position 8792, G replaced by A.
Molecular consequence: intron variant.
Genome position (GRCh38, 1-based): chr5:37,137,047, C>T on the plus strand (G>A on the coding strand, the complement: CPLANE1 is on the minus strand). VCF-style: chr5-37137047-C-T. GRCh37 (hg19) VCF-style: chr5-37137149-C-T.
Other names: c.8630+1673G>A (NM_023073.4).
Identifiers: ClinVar variation 4845565 (VCV004845565.1).
Genomic context (GRCh38, chr5:37,137,047, plus strand): 5'-CCCATGGTCTTGGTGACTAAAATTTGGCTTCTCATTATTTATGGAAATTTCTGCACTGAG[C>T]TTGATTTCTCCCCAGAAAATGGGTTTTTCTTTTATATTGCACTGTCAGCCTGCAAATTTT-3'